The following is an entry in ClinVar:

ClinVar aggregate classification (germline): Benign. Review status: criteria provided, single submitter (1 of 4 stars). 2 submissions from 2 submitters: Benign (1). 1 of the submissions does not count toward it. Last evaluated 2018-04-17.

Conditions:
FAAP24-related disorder. Also called: FAAP24-related condition.

Allele frequency attached by ClinVar (database versions not stated): gnomAD exomes 0.00046 and 0.00132; ExAC 0.00183; gnomAD 0.00493 and 0.00525; TOPMed 0.00524; ESP Exome Variant Server 0.00584; 1000 Genomes Project 0.00599; 1000 Genomes Project 30x 0.00671.
gnomAD v4.1: 1,457 of 1,614,078 alleles (0.09%); highest among the groups gnomAD compares: African/African-American, 1.7%; 16 homozygotes.

Submissions (2):

Labcorp Genetics (formerly Invitae), Labcorp
Classification: Benign. Last evaluated: 2018-04-17. Review status: criteria provided, single submitter. Criteria: Invitae Variant Classification Sherloc (09022015). Collection method: clinical testing. Allele origin: germline.

PreventionGenetics, part of Exact Sciences
Classification: Benign for FAAP24-related condition. Last evaluated: 2019-07-31. Review status: no assertion criteria provided. Collection method: clinical testing. Allele origin: germline. Not counted in ClinVar's aggregate classification.
Comment: This variant is classified as benign based on ACMG/AMP sequence variant interpretation guidelines (Richards et al. 2015 PMID: 25741868, with internal and published modifications).

NM_152266.5(FAAP24):c.597C>T (p.Val199=)

Gene: FAAP24 (FA core complex associated protein 24; plus strand). Cytogenetic location: 19q13.11.
Variant type: single nucleotide variant.
Coding change: c.597C>T on transcript NM_152266.5 (MANE Select); coding-DNA position 597, C replaced by T.
Protein change: p.Val199=; no amino-acid change (valine 199 retained).
Molecular consequence: synonymous variant.
Genome position (GRCh38, 1-based): chr19:32,976,631, C>T. VCF-style: chr19-32976631-C-T. GRCh37 (hg19) VCF-style: chr19-33467537-C-T.
Other names: c.312C>T, p.Val104= (NM_001300978.2).
Identifiers: ClinVar variation 714785 (VCV000714785.5), dbSNP rs114896387, ClinGen allele CA9360182.